The following is an entry in ClinVar:

NM_000445.5(PLEC):c.148G>T (p.Gly50Trp)

Gene: PLEC (plectin; minus strand). Cytogenetic location: 8q24.3.
Variant type: single nucleotide variant.
Coding change: c.148G>T on transcript NM_000445.5; coding-DNA position 148, G replaced by T.
Protein change: p.Gly50Trp; replaces glycine 50 with tryptophan.
Molecular consequence: missense variant.
Genome position (GRCh38, 1-based): chr8:143,975,222, C>A on the plus strand (G>T on the coding strand, the complement: PLEC is on the minus strand). VCF-style: chr8-143975222-C-A. GRCh37 (hg19) VCF-style: chr8-145049390-C-A.
Other names: c.148G>T, p.Gly50Trp (NM_001410941.1); short protein forms G50W.
Identifiers: ClinVar variation 571758 (VCV000571758.8), dbSNP rs782670240, ClinGen allele CA4929145.

ClinVar aggregate classification (germline): Uncertain significance (1 of 4 stars; one submission).

Conditions:
Epidermolysis bullosa simplex 5B, with muscular dystrophy (EBS5B). Also called: Epidermolysis bullosa simplex with muscular dystrophy; EPIDERMOLYSIS BULLOSA SIMPLEX AND LIMB-GIRDLE MUSCULAR DYSTROPHY. Identifiers: Orphanet 257, MedGen C2931072, MONDO:0009181, OMIM 226670.
Epidermolysis bullosa simplex 5C, with pyloric atresia (EBS5C). Also called: PLEC-Related Epidermolysis Bullosa with Pyloric Atresia; Epidermolysis bullosa simplex with pyloric atresia; PLEC1-Related Epidermolysis Bullosa with Pyloric Atresia. Identifiers: Orphanet 158684, MedGen C2677349, MONDO:0012807, OMIM 612138.
Autosomal recessive limb-girdle muscular dystrophy type 2Q (LGMDR17). Also called: MUSCULAR DYSTROPHY, LIMB-GIRDLE, AUTOSOMAL RECESSIVE 17. Identifiers: Orphanet 254361, MedGen C3150989, MONDO:0013390, OMIM 613723.
Epidermolysis bullosa simplex with nail dystrophy (EBS5D). Identifiers: MedGen C4225309, MONDO:0014661, OMIM 616487.
Epidermolysis bullosa simplex, Ogna type (EBS5A). Also called: Pidermolysis bullosa simplex 5A, Ogna type; EPIDERMOLYSIS BULLOSA SIMPLEX 5A, OGNA TYPE. Identifiers: Orphanet 79401, MedGen C0432317, MONDO:0007555, OMIM 131950.

Allele frequency attached by ClinVar (database versions not stated): gnomAD 0.00007 and 0.00006; ExAC 0.00003; TOPMed 0.00005; gnomAD exomes 0.00002.
gnomAD v4.1: 85 of 1,604,812 alleles (0.0053%); highest among the groups gnomAD compares: Non-Finnish European, 0.0057%; no homozygotes.

Submission:

Labcorp Genetics (formerly Invitae), Labcorp
Classification: Uncertain significance for Autosomal recessive limb-girdle muscular dystrophy type 2Q; Epidermolysis bullosa simplex, Ogna type; Epidermolysis bullosa simplex with nail dystrophy; Epidermolysis bullosa simplex 5C, with pyloric atresia; Epidermolysis bullosa simplex 5B, with muscular dystrophy. Last evaluated: 2025-10-19. Review status: criteria provided, single submitter. Criteria: Invitae Variant Classification Sherloc (09022015). Collection method: clinical testing. Allele origin: germline.
Comment: This sequence change replaces glycine, which is neutral and non-polar, with tryptophan, which is neutral and slightly polar, at codon 50 of the PLEC protein (p.Gly50Trp). This variant is present in population databases (rs782670240, gnomAD 0.01%). This variant has not been reported in the literature in individuals affected with PLEC-related conditions. ClinVar contains an entry for this variant (Variation ID: 571758). Experimental studies and prediction algorithms are not available or were not evaluated, and the functional significance of this variant is currently unknown. In summary, the available evidence is currently insufficient to determine the role of this variant in disease. Therefore, it has been classified as a Variant of Uncertain Significance.